The following is an entry in ClinVar:

NM_001458.5(FLNC):c.7784C>T (p.Pro2595Leu)

Genes: FLNC (filamin C; plus strand), FLNC-AS1 (FLNC antisense RNA 1; minus strand). Cytogenetic location: 7q32.1.
Variant type: single nucleotide variant.
Coding change: c.7784C>T on transcript NM_001458.5 (MANE Select); coding-DNA position 7784, C replaced by T.
Protein change: p.Pro2595Leu; replaces proline 2595 with leucine.
Molecular consequence: missense variant.
Genome position (GRCh38, 1-based): chr7:128,858,011, C>T. VCF-style: chr7-128858011-C-T. GRCh37 (hg19) VCF-style: chr7-128498065-C-T.
Other names: c.7685C>T, p.Pro2562Leu (NM_001127487.2); short protein forms P2595L, P2562L.
Identifiers: ClinVar variation 423364 (VCV000423364.11), dbSNP rs756144972, ClinGen allele CA4476365.

ClinVar aggregate classification (germline): Uncertain significance. Review status: criteria provided, multiple submitters, no conflicts (2 of 4 stars). 3 submissions from 3 submitters: Uncertain significance (3). Last evaluated 2025-08-11.

Conditions:
Myofibrillar myopathy 5. Also called: Filaminopathy (type); FILAMINOPATHY, AUTOSOMAL DOMINANT. Identifiers: Orphanet 171445, MedGen C1836050, MONDO:0012289, OMIM 609524.
Hypertrophic cardiomyopathy 26. Also called: Cardiomyopathy, familial hypertrophic, 26. Identifiers: Orphanet 75249, MedGen C4310749, MONDO:0014883, OMIM 617047.
Distal myopathy with posterior leg and anterior hand involvement. Also called: WILLIAMS DISTAL MYOPATHY. Identifiers: Orphanet 63273, MedGen C3279722, MONDO:0013550, OMIM 614065.

Allele frequency attached by ClinVar (database versions not stated): gnomAD exomes 0.00001; TOPMed 0.00001; gnomAD 0.00002; ExAC 0.00003.

Submissions (3):

Labcorp Genetics (formerly Invitae), Labcorp
Classification: Uncertain significance for Distal myopathy with posterior leg and anterior hand involvement; Myofibrillar myopathy 5; Hypertrophic cardiomyopathy 26. Last evaluated: 2025-08-11. Review status: criteria provided, single submitter. Criteria: Invitae Variant Classification Sherloc (09022015). Collection method: clinical testing. Allele origin: germline.
Comment: This sequence change replaces proline, which is neutral and non-polar, with leucine, which is neutral and non-polar, at codon 2595 of the FLNC protein (p.Pro2595Leu). The frequency data for this variant in the population databases is considered unreliable, as metrics indicate poor data quality at this position in the gnomAD database. This variant has not been reported in the literature in individuals affected with FLNC-related conditions. ClinVar contains an entry for this variant (Variation ID: 423364). Invitae Evidence Modeling of protein sequence and biophysical properties (such as structural, functional, and spatial information, amino acid conservation, physicochemical variation, residue mobility, and thermodynamic stability) indicates that this missense variant is not expected to disrupt FLNC protein function with a negative predictive value of 95%. In summary, the available evidence is currently insufficient to determine the role of this variant in disease. Therefore, it has been classified as a Variant of Uncertain Significance.

Victorian Clinical Genetics Services, Murdoch Childrens Research Institute
Classification: Uncertain significance for Hypertrophic cardiomyopathy 26. Last evaluated: 2025-05-01. Review status: criteria provided, single submitter. Criteria: ACMG Guidelines, 2015. Collection method: clinical testing. Allele origin: germline. Affected: yes.
Comment: This variant is classified as VUS-3B. Evidence in support of pathogenic classification: Variant is present in gnomAD <0.001 for a dominant condition (v4: 13 heterozygote(s), 0 homozygote(s)). Additional information: Variant is predicted to result in a missense amino acid change from proline to leucine; This variant is heterozygous; This gene is associated with autosomal dominant disease. Variants located throughout the gene that are predicted to result in nonsense-mediated decay (NMD) are enriched in dilated cardiomyopathy, whereas missense variants in the ROD2 domain are enriched in familial hypertrophic cardiomyopathy 26 and familial restrictive cardiomyopathy 5 (MIM#617047). Additionally, myofibrillar myopathy 5 (MIM#609524) is known to result from either missense variants in the ROD2 domain or truncating variants in the Ig-like domain 24, while missense variants in the actin-binding domain and NMD-predicted variants located in the Ig-like domain 15 and have been reported for distal myopathy 4 (MIM#614065) (PMID: 32112656); Alternative amino acid change(s) at the same position are present in gnomAD (Highest allele count: v4: 1 heterozygote(s), 0 homozygote(s)); Previous evidence of pathogenicity for this variant is inconclusive. This variant has been classified as a VUS by clinical laboratories in ClinVar; No published segregation evidence has been identified for this variant; No published functional evidence has been identified for this variant; No comparable missense variants have previous evidence for pathogenicity; Variant is located in the annotated Hinge 2 location of the ROD2 domain (PMID: 32112656); Missense variant with inconclusive in silico prediction and uninformative conservation; Loss of function and gain of function are known mechanisms of disease in this gene. Loss of function is the established mechanism of disease for variants in dilated cardiomyopathy (PMID: 32112656), familial hypertrophic cardiomyopathy 26 (MIM#617047), familial restrictive cardiomyopathy 5 (MIM#617047), familial arrhythmogenic right ventricular dysplasia (MIM#617047), and myofibrillar myopathy 5 (MIM#609524). In distal myopathy 4 (MIM#614065), NMD-predicted variants cause a loss of function, however missense variants have been shown to result in a toxic gain of function (PMID: 32112656); Inheritance information for this variant is not currently available in this individual.

GeneDx
Classification: Uncertain significance. Last evaluated: 2019-01-18. Review status: criteria provided, single submitter. Criteria: GeneDx Variant Classification (06012015). Collection method: clinical testing. Allele origin: germline. Affected: yes.
Comment: A variant of uncertain significance has been identified in the FLNC gene. The P2595L variant has not been published as a pathogenic variant, nor has it been reported as a benign variant to our knowledge. The P2595L variant is not observed in large population cohorts (Lek et al., 2016; 1000 Genomes Consortium et al., 2015; Exome Variant Server). The P2595L variant is a semi-conservative amino acid substitution, which may impact secondary protein structure as these residues differ in some properties. This substitution occurs at a position that is conserved in mammals. In silico analysis predicts this variant is probably damaging to the protein structure/function. However, missense variants in nearby residues have not been reported in the Human Gene Mutation Database in association with FLNC-related disorders (Stenson et al., 2014. Therefore, based on the currently available information, it is unclear whether this variant is a pathogenic variant or a rare benign variant

Literature cited by the submitters: PubMed 32112656 (cited by Victorian Clinical Genetics Services, Murdoch Childrens Research Institute).